The following is an entry in ClinVar:

NM_014855.3(AP5Z1):c.1132G>A (p.Gly378Arg)

Gene: AP5Z1 (adaptor related protein complex 5 subunit zeta 1; plus strand). Cytogenetic location: 7p22.1.
Variant type: single nucleotide variant.
Coding change: c.1132G>A on transcript NM_014855.3 (MANE Select); coding-DNA position 1132, G replaced by A.
Protein change: p.Gly378Arg; replaces glycine 378 with arginine.
Molecular consequence: missense variant. On other transcripts: non-coding transcript variant (1).
Genome position (GRCh38, 1-based): chr7:4,785,684, G>A. VCF-style: chr7-4785684-G-A. GRCh37 (hg19) VCF-style: chr7-4825315-G-A.
Other names: p.Gly378Arg; c.1132G>A, p.Gly378Arg (LRG_1247t1); c.664G>A, p.Gly222Arg (NM_001364858.1); short protein forms G222R, G378R.
Identifiers: ClinVar variation 652848 (VCV000652848.12), dbSNP rs777093701, ClinGen allele CA4137612.

ClinVar aggregate classification (germline): Conflicting classifications of pathogenicity. Review status: criteria provided, conflicting classifications (1 of 4 stars). 7 submissions from 7 submitters: Likely pathogenic (1); Uncertain significance (6). Last evaluated 2025-07-28.

Conditions:
Hereditary spastic paraplegia. Also called: Familial spastic paraparesis. Identifiers: Orphanet 685, MedGen C0037773, MONDO:0019064. Disease mechanism: loss of function.
Hereditary spastic paraplegia 48. Also called: SPASTIC PARAPLEGIA 48, AUTOSOMAL RECESSIVE; Spastic paraplegia 48. Identifiers: Orphanet 306511, MedGen C3150901, MONDO:0013342, OMIM 613647.

Allele frequency attached by ClinVar (database versions not stated): gnomAD 0.00006; TOPMed 0.00006.
gnomAD v4.1: 200 of 1,526,966 alleles (0.013%); highest among the groups gnomAD compares: Middle Eastern, 0.19%; 1 homozygote.

Submissions (7):

Athena Diagnostics
Classification: Uncertain significance. Last evaluated: 2025-07-28. Review status: criteria provided, single submitter. Criteria: Athena Diagnostics Criteria. Collection method: clinical testing. Allele origin: unknown.
Comment: Available data are insufficient to determine the clinical significance of the variant at this time. The frequency of this variant in the general population is uninformative in assessment of its pathogenicity. Computational tools predict that this variant may be damaging.

Victorian Clinical Genetics Services, Murdoch Childrens Research Institute
Classification: Uncertain significance for Hereditary spastic paraplegia 48. Last evaluated: 2024-10-08. Review status: criteria provided, single submitter. Criteria: ACMG Guidelines, 2015. Collection method: clinical testing. Allele origin: germline. Inheritance: Autosomal recessive inheritance. Affected: yes.
Comment: Based on the classification scheme VCGS_Germline_v1.3.4, this variant is classified as VUS-3B. Following criteria are met: 0102 - Loss of function is a known mechanism of disease in this gene and is associated with spastic paraplegia 48, autosomal recessive (MIM#613647). (I) 0106 - This gene is associated with autosomal recessive disease. (I) 0212 - Non-canonical splice site variant without proven consequence on splicing (no functional evidence available). This variant affects the last nucleotide of exon 9 and is also predicted to result in a missense change from glycine to arginine. (SP) 0252 - This variant is homozygous. (I) 0304 - Variant is present in gnomAD (v2) <0.01 for a recessive condition (23 heterozygotes, 0 homozygotes). (SP) 0309 - An alternative amino acid change at the same position has been observed in gnomAD (v2) (4 heterozygotes, 0 homozygotes). (I) 0506 - Abnormal splicing is not predicted and nucleotide is highly conserved. As a missense variant, it has conflicting in silico predictions and uninformative conservation. (I) 0705 - No comparable splice site variants have previous evidence for pathogenicity. (I) 0809 - Previous evidence of pathogenicity for this variant is inconclusive. This variant has been classified as a VUS by multiple clinical laboratories in ClinVar. It has also been observed in the literature as homozygous in an individual and heterozygous in their sibling, both with developmental delay and spastic limbs (PMID: 37012327). (I) 0905 - No published segregation evidence has been identified for this variant. (I) 1007 - No published functional evidence has been identified for this variant. (I) Legend: (SP) - Supporting pathogenic, (I) - Information, (SB) - Supporting benign

Blueprint Genetics
Classification: Uncertain significance. Last evaluated: 2024-08-05. Review status: criteria provided, single submitter. Criteria: ACMG Guidelines, 2015. Collection method: clinical testing. Allele origin: germline.

Mayo Clinic Laboratories, Mayo Clinic
Classification: Uncertain significance. Last evaluated: 2022-02-11. Review status: criteria provided, single submitter. Criteria: ACMG Guidelines, 2015. Collection method: clinical testing. Allele origin: germline. Observed: 2 variant alleles.
Comment: PM2

Labcorp Genetics (formerly Invitae), Labcorp
Classification: Uncertain significance for Hereditary spastic paraplegia 48. Last evaluated: 2021-12-08. Review status: criteria provided, single submitter. Criteria: Invitae Variant Classification Sherloc (09022015). Collection method: clinical testing. Allele origin: germline.
Comment: This sequence change replaces glycine, which is neutral and non-polar, with arginine, which is basic and polar, at codon 378 of the AP5Z1 protein (p.Gly378Arg). This variant also falls at the last nucleotide of exon 9, which is part of the consensus splice site for this exon. This variant is present in population databases (rs777093701, gnomAD 0.02%). This variant has not been reported in the literature in individuals affected with AP5Z1-related conditions. ClinVar contains an entry for this variant (Variation ID: 652848). Algorithms developed to predict the effect of missense changes on protein structure and function are either unavailable or do not agree on the potential impact of this missense change (SIFT: "Deleterious"; PolyPhen-2: "Probably Damaging"; Align-GVGD: "Class C15"). Variants that disrupt the consensus splice site are a relatively common cause of aberrant splicing (PMID: 17576681, 9536098). Algorithms developed to predict the effect of sequence changes on RNA splicing suggest that this variant may disrupt the consensus splice site. In summary, the available evidence is currently insufficient to determine the role of this variant in disease. Therefore, it has been classified as a Variant of Uncertain Significance.

Genome Diagnostics Laboratory, The Hospital for Sick Children
Classification: Uncertain significance for Hereditary spastic paraplegia. Last evaluated: 2021-04-01. Review status: criteria provided, single submitter. Criteria: ACMG Guidelines, 2015. Collection method: clinical testing. Allele origin: germline. Affected: yes.

Department of Biochemistry, Faculty of Medicine, University of Khartoum
Classification: Likely pathogenic for Hereditary spastic paraplegia 48. Review status: criteria provided, single submitter. Criteria: ACMG Guidelines, 2015. Collection method: research. Allele origin: biparental. Affected: yes. Observed: 1 variant allele.
Comment: This variant has been detected before, at least once, in patients with Hereditary spastic paraplegia (VCV000652848.4)

Literature cited by the submitters: PubMed 37012327 (cited by Athena Diagnostics and Victorian Clinical Genetics Services, Murdoch Childrens Research Institute); PubMed 17576681 (cited by Labcorp Genetics (formerly Invitae), Labcorp); PubMed 9536098 (cited by Labcorp Genetics (formerly Invitae), Labcorp).